The following is an entry in ClinVar:

ClinVar aggregate classification (germline): Conflicting classifications of pathogenicity. Review status: criteria provided, conflicting classifications (1 of 4 stars). 4 submissions from 4 submitters: Uncertain significance (2); Likely benign (1). 1 of the submissions does not count toward it. Last evaluated 2025-11-10.

Conditions:
Hereditary cancer-predisposing syndrome. Also called: Tumor predisposition; Hereditary neoplastic syndrome; Neoplastic Syndromes, Hereditary; Hereditary Cancer Syndrome. Identifiers: Orphanet 140162, MedGen C0027672, MeSH D009386, MONDO:0015356.
Microcephaly, normal intelligence and immunodeficiency (NBS). Also called: Immunodeficiency, microcephaly with normal intelligence; BERLIN BREAKAGE SYNDROME; IMMUNODEFICIENCY, MICROCEPHALY, AND CHROMOSOMAL INSTABILITY; SEEMANOVA SYNDROME II; Ataxia telangiectasia variant V1; Nijmegen breakage syndrome. Identifiers: Orphanet 647, MedGen C0398791, MONDO:0009623, OMIM 251260.

Allele frequency attached by ClinVar (database versions not stated): gnomAD exomes below 0.00001 and 0.00001; TOPMed below 0.00001.
gnomAD v4.1: 8 of 1,608,644 alleles (0.0005%); highest among the groups gnomAD compares: Non-Finnish European, 0.00068%; no homozygotes.

Submissions (4):

Ambry Genetics
Classification: Likely benign for Hereditary cancer-predisposing syndrome. Last evaluated: 2025-11-10. Review status: criteria provided, single submitter. Criteria: Ambry Variant Classification Scheme 2023. Collection method: clinical testing. Allele origin: germline.

Labcorp Genetics (formerly Invitae), Labcorp
Classification: Uncertain significance for Microcephaly, normal intelligence and immunodeficiency. Last evaluated: 2022-09-13. Review status: criteria provided, single submitter. Criteria: Invitae Variant Classification Sherloc (09022015). Collection method: clinical testing. Allele origin: germline.
Comment: This sequence change replaces tyrosine, which is neutral and polar, with phenylalanine, which is neutral and non-polar, at codon 749 of the NBN protein (p.Tyr749Phe). This variant is not present in population databases (gnomAD no frequency). This variant has not been reported in the literature in individuals affected with NBN-related conditions. ClinVar contains an entry for this variant (Variation ID: 220260). Algorithms developed to predict the effect of missense changes on protein structure and function (SIFT, PolyPhen-2, Align-GVGD) all suggest that this variant is likely to be tolerated. In summary, the available evidence is currently insufficient to determine the role of this variant in disease. Therefore, it has been classified as a Variant of Uncertain Significance.

Genome-Nilou Lab
Classification: Uncertain significance for Microcephaly, normal intelligence and immunodeficiency. Last evaluated: 2021-11-07. Review status: criteria provided, single submitter. Criteria: ACMG Guidelines, 2015. Collection method: clinical testing. Allele origin: germline. Affected: no.

Natera, Inc.
Classification: Uncertain significance for Nijmegen breakage syndrome. Last evaluated: 2020-09-16. Review status: no assertion criteria provided. Collection method: clinical testing. Allele origin: germline. Not counted in ClinVar's aggregate classification.

NM_002485.5(NBN):c.2246A>T (p.Tyr749Phe)

Gene: NBN (nibrin; minus strand). Cytogenetic location: 8q21.3.
Variant type: single nucleotide variant.
Coding change: c.2246A>T on transcript NM_002485.5 (MANE Select); coding-DNA position 2246, A replaced by T.
Protein change: p.Tyr749Phe; replaces tyrosine 749 with phenylalanine.
Molecular consequence: missense variant.
Genome position (GRCh38, 1-based): chr8:89,935,601, T>A on the plus strand (A>T on the coding strand, the complement: NBN is on the minus strand). VCF-style: chr8-89935601-T-A. GRCh37 (hg19) VCF-style: chr8-90947829-T-A.
Other names: c.2000A>T, p.Tyr667Phe (NM_001024688.3); short protein forms Y749F, Y667F.
Identifiers: ClinVar variation 220260 (VCV000220260.18), dbSNP rs864622446, ClinGen allele CA349423.
Genomic context (GRCh38, chr8:89,935,601, plus strand): 5'-TACTAGGAAGTTTTTCCATGGCTTCTTTTTAAAATCCTCAGTTATCTTCTCCTTTTTAAA[T>A]AAGGATTGTATCTGCAAAGAAAGAAATGGGGTTAAATGATATTTAGATAAGGGATGGTAT-3'
Protein context (NP_002476.2, residues 739-754): LADDLFRYNP[Tyr749Phe]LKRRR